The following is an entry in ClinVar:

ClinVar aggregate classification (germline): Likely benign. Review status: criteria provided, multiple submitters, no conflicts (2 of 4 stars). 4 submissions from 4 submitters: Likely benign (3). 1 of the submissions does not count toward it. Last evaluated 2025-12-01.

Conditions:
Alstrom syndrome (ALMS). Identifiers: Orphanet 64, MedGen C0268425, MONDO:0008763, OMIM 203800.

Allele frequency attached by ClinVar (database versions not stated): gnomAD 0.00001; TOPMed 0.00001.
gnomAD v4.1: 4 of 1,613,572 alleles (0.00025%); highest among the groups gnomAD compares: African/African-American, 0.0013%; no homozygotes.

Submissions (4):

CeGaT Center for Human Genetics Tuebingen
Classification: Likely benign. Last evaluated: 2025-12-01. Review status: criteria provided, single submitter. Criteria: CeGaT Center For Human Genetics Tuebingen Variant Classification Criteria Version 2. Collection method: clinical testing. Allele origin: germline. Affected: yes. Observed: 1 variant allele.
Comment: ALMS1: BP4, BP7

ARUP Laboratories, Molecular Genetics and Genomics, ARUP Laboratories
Classification: Likely benign for Alstrom syndrome. Last evaluated: 2025-05-29. Review status: criteria provided, single submitter. Criteria: ARUP Molecular Germline Variant Investigation Process 2024. Collection method: clinical testing. Allele origin: germline.

Labcorp Genetics (formerly Invitae), Labcorp
Classification: Likely benign for Alstrom syndrome. Last evaluated: 2023-12-19. Review status: criteria provided, single submitter. Criteria: Invitae Variant Classification Sherloc (09022015). Collection method: clinical testing. Allele origin: germline.

Natera, Inc.
Classification: Uncertain significance for Alstrom syndrome. Last evaluated: 2025-01-30. Review status: no assertion criteria provided. Collection method: clinical testing. Allele origin: germline. Not counted in ClinVar's aggregate classification.

NM_001378454.1(ALMS1):c.2049G>A (p.Leu683=)

Gene: ALMS1 (ALMS1 centrosome and basal body associated protein; plus strand). Cytogenetic location: 2p13.1.
Variant type: single nucleotide variant.
Coding change: c.2049G>A on transcript NM_001378454.1 (MANE Select); coding-DNA position 2049, G replaced by A.
Protein change: p.Leu683=; no amino-acid change (leucine 683 retained).
Molecular consequence: synonymous variant.
Genome position (GRCh38, 1-based): chr2:73,448,576, G>A. VCF-style: chr2-73448576-G-A. GRCh37 (hg19) VCF-style: chr2-73675703-G-A.
Other names: c.2052G>A, p.Leu684= (NM_015120.4).
Identifiers: ClinVar variation 793966 (VCV000793966.16), dbSNP rs1572931934, ClinGen allele CA427019423.